The following is an entry in ClinVar:

NM_198253.3(TERT):c.860G>C (p.Gly287Ala)

Gene: TERT (telomerase reverse transcriptase; minus strand). Cytogenetic location: 5p15.33.
Variant type: single nucleotide variant.
Coding change: c.860G>C on transcript NM_198253.3 (MANE Select); coding-DNA position 860, G replaced by C.
Protein change: p.Gly287Ala; replaces glycine 287 with alanine.
Molecular consequence: missense variant. On other transcripts: non-coding transcript variant (2).
Genome position (GRCh38, 1-based): chr5:1,294,026, C>G on the plus strand (G>C on the coding strand, the complement: TERT is on the minus strand). VCF-style: chr5-1294026-C-G. GRCh37 (hg19) VCF-style: chr5-1294141-C-G.
Other names: c.860G>C, p.Gly287Ala (NM_001193376.3, NM_003219.1); short protein forms G287A.
Identifiers: ClinVar variation 1764038 (VCV001764038.2), dbSNP rs2478418984, ClinGen allele CA359056434.

ClinVar aggregate classification (germline): Uncertain significance (1 of 4 stars; one submission).

Conditions:
Dyskeratosis congenita. Identifiers: Orphanet 1775, MedGen C0265965, MONDO:0015780.

Submission:

Ambry Genetics
Classification: Uncertain significance for Dyskeratosis congenita. Last evaluated: 2022-05-30. Review status: criteria provided, single submitter. Criteria: Ambry Variant Classification Scheme 2023. Collection method: clinical testing. Allele origin: germline.
Comment: The p.G287A variant (also known as c.860G>C), located in coding exon 2 of the TERT gene, results from a G to C substitution at nucleotide position 860. The glycine at codon 287 is replaced by alanine, an amino acid with similar properties. This amino acid position is conserved. In addition, the in silico prediction for this alteration is inconclusive. Since supporting evidence is limited at this time, the clinical significance of this alteration remains unclear.